The following is an entry in ClinVar:

ClinVar aggregate classification (germline): Uncertain significance. Review status: criteria provided, multiple submitters, no conflicts (2 of 4 stars). 3 submissions from 3 submitters: Uncertain significance (3). Last evaluated 2025-12-15.

Allele frequency attached by ClinVar (database versions not stated): gnomAD 0.00046 and 0.00050; 1000 Genomes Project 30x 0.00047; gnomAD exomes 0.00049 and 0.00053; ExAC 0.00050; TOPMed 0.00053; ESP Exome Variant Server 0.00054; 1000 Genomes Project 0.00060.
gnomAD v4.1: 800 of 1,614,106 alleles (0.05%); highest among the groups gnomAD compares: Middle Eastern, 0.38%; 1 homozygote.

Submissions (3):

Labcorp Genetics (formerly Invitae), Labcorp
Classification: Uncertain significance. Last evaluated: 2025-12-15. Review status: criteria provided, single submitter. Criteria: Invitae Variant Classification Sherloc (09022015). Collection method: clinical testing. Allele origin: germline.
Comment: This sequence change replaces arginine, which is basic and polar, with tryptophan, which is neutral and slightly polar, at codon 85 of the COX4I2 protein (p.Arg85Trp). This variant is present in population databases (rs149245323, gnomAD 0.08%), and has an allele count higher than expected for a pathogenic variant. This variant has not been reported in the literature in individuals affected with COX4I2-related conditions. ClinVar contains an entry for this variant (Variation ID: 197362). An algorithm developed to predict the effect of missense changes on protein structure and function (PolyPhen-2) suggests that this variant is likely to be disruptive. In summary, the available evidence is currently insufficient to determine the role of this variant in disease. Therefore, it has been classified as a Variant of Uncertain Significance.

Mayo Clinic Laboratories, Mayo Clinic
Classification: Uncertain significance. Last evaluated: 2025-04-10. Review status: criteria provided, single submitter. Criteria: ACMG Guidelines, 2015. Collection method: clinical testing. Allele origin: germline. Observed: 4 variant alleles.

Eurofins Ntd Llc (ga)
Classification: Uncertain significance. Last evaluated: 2014-10-16. Review status: criteria provided, single submitter. Criteria: EGL Classification Definitions 2015. Collection method: clinical testing. Allele origin: germline. Observed: 1 variant allele, 1 heterozygote.

Literature cited by the submitters: PubMed 22592081 (cited by Mayo Clinic Laboratories, Mayo Clinic and Eurofins Ntd Llc (ga)); PubMed 32304865 (cited by Mayo Clinic Laboratories, Mayo Clinic); PubMed 33171185 (cited by Mayo Clinic Laboratories, Mayo Clinic).

NM_032609.3(COX4I2):c.253C>T (p.Arg85Trp)

Gene: COX4I2 (cytochrome c oxidase subunit 4I2; plus strand). Cytogenetic location: 20q11.21.
Variant type: single nucleotide variant.
Coding change: c.253C>T on transcript NM_032609.3 (MANE Select); coding-DNA position 253, C replaced by T.
Protein change: p.Arg85Trp; replaces arginine 85 with tryptophan.
Molecular consequence: missense variant.
Genome position (GRCh38, 1-based): chr20:31,643,409, C>T. VCF-style: chr20-31643409-C-T. GRCh37 (hg19) VCF-style: chr20-30231212-C-T.
Other names: p.Arg85Trp; short protein forms R85W.
Identifiers: ClinVar variation 197362 (VCV000197362.12), dbSNP rs149245323, ClinGen allele CA245456.
Genomic context (GRCh38, chr20:31,643,409, plus strand): 5'-GATCACTTAGAGTGGACGCACCTGAGGCCCCTTCCCCACACCCAACTGCCTCCAGTGTAC[C>T]GGCTCCAGTTCAATGAGACCTTTGCGGAGATGAACCGTCGCTCCAATGAGTGGAAGACAG-3'
Protein context (NP_115998.2, residues 75-95): LTHAEKVALY[Arg85Trp]LQFNETFAEM